The following is an entry in ClinVar:

ClinVar aggregate classification (germline): Uncertain significance. Review status: criteria provided, multiple submitters, no conflicts (2 of 4 stars). 2 submissions from 2 submitters: Uncertain significance (2). Last evaluated 2025-12-01.

Allele frequency attached by ClinVar (database versions not stated): gnomAD 0.00005 and 0.00006.
gnomAD v4.1: 104 of 1,603,322 alleles (0.0065%); highest among the groups gnomAD compares: Admixed American, 0.014%; no homozygotes.

Submissions (2):

Labcorp Genetics (formerly Invitae), Labcorp
Classification: Uncertain significance. Last evaluated: 2025-12-01. Review status: criteria provided, single submitter. Criteria: Invitae Variant Classification Sherloc (09022015). Collection method: clinical testing. Allele origin: germline.
Comment: This sequence change replaces proline, which is neutral and non-polar, with serine, which is neutral and polar, at codon 451 of the MKL1 protein (p.Pro451Ser). This variant is present in population databases (rs752603698, gnomAD 0.02%). This variant has not been reported in the literature in individuals affected with MKL1-related conditions. ClinVar contains an entry for this variant (Variation ID: 1683060). An algorithm developed to predict the effect of missense changes on protein structure and function (PolyPhen-2) suggests that this variant is likely to be tolerated. In summary, the available evidence is currently insufficient to determine the role of this variant in disease. Therefore, it has been classified as a Variant of Uncertain Significance.

Ambry Genetics
Classification: Uncertain significance. Last evaluated: 2022-01-26. Review status: criteria provided, single submitter. Criteria: Ambry Variant Classification Scheme 2023. Collection method: clinical testing. Allele origin: germline.

NM_020831.6(MRTFA):c.1651C>T (p.Pro551Ser)

Gene: MRTFA (myocardin related transcription factor A; minus strand). Cytogenetic location: 22q13.1.
Variant type: single nucleotide variant.
Coding change: c.1651C>T on transcript NM_020831.6 (MANE Select); coding-DNA position 1651, C replaced by T.
Protein change: p.Pro551Ser; replaces proline 551 with serine.
Molecular consequence: missense variant.
Genome position (GRCh38, 1-based): chr22:40,419,087, G>A on the plus strand (C>T on the coding strand, the complement: MRTFA is on the minus strand). VCF-style: chr22-40419087-G-A. GRCh37 (hg19) VCF-style: chr22-40815091-G-A.
Other names: c.1351C>T, p.Pro451Ser (NM_001282660.2); c.1501C>T, p.Pro501Ser (NM_001282661.3); c.1651C>T, p.Pro551Ser (NM_001282662.3); c.1456C>T, p.Pro486Ser (NM_001318139.2); c.1351C>T (NM_020831.3); short protein forms P451S, P486S, P501S, P551S.
Identifiers: ClinVar variation 1683060 (VCV001683060.9), dbSNP rs752603698, ClinGen allele CA10249608.